The following is an entry in ClinVar:

NM_001277115.2(DNAH11):c.8579G>T (p.Gly2860Val)

Gene: DNAH11 (dynein axonemal heavy chain 11; plus strand). Cytogenetic location: 7p15.3.
Variant type: single nucleotide variant.
Coding change: c.8579G>T on transcript NM_001277115.2 (MANE Select); coding-DNA position 8579, G replaced by T.
Protein change: p.Gly2860Val; replaces glycine 2860 with valine.
Molecular consequence: missense variant.
Genome position (GRCh38, 1-based): chr7:21,748,648, G>T. VCF-style: chr7-21748648-G-T. GRCh37 (hg19) VCF-style: chr7-21788266-G-T.
Other names: c.8600G>T, p.Gly2867Val (NM_003777.3); short protein forms G2867V, G2860V.
Identifiers: ClinVar variation 2715695 (VCV002715695.3), dbSNP rs749830026, ClinGen allele CA366955179.
Genomic context (GRCh38, chr7:21,748,648, plus strand): 5'-TCAGCCGGATCTTACGAACCCCTCAGGGCTGTGCTCTCTTGGTTGGAGTTGGGGGCAGTG[G>T]CAAGCAGAGCTTGTCCAGGCTGGCAGCTTACCTTCGTGGCCTTGAGGTCTTTCAGATCAC-3'
Protein context (NP_001264044.1, residues 2850-2870): CALLVGVGGS[Gly2860Val]KQSLSRLAAY

ClinVar aggregate classification (germline): Uncertain significance (1 of 4 stars; one submission).

Conditions:
Primary ciliary dyskinesia. Also called: Ciliary dyskinesia. Identifiers: Orphanet 244, MedGen C0008780, MONDO:0016575, HP:0012265.

gnomAD v4.1: 1 of 1,613,434 alleles (0.000062%); highest among the groups gnomAD compares: Non-Finnish European, 0.000085%; no homozygotes.

Submission:

Labcorp Genetics (formerly Invitae), Labcorp
Classification: Uncertain significance for Primary ciliary dyskinesia. Last evaluated: 2023-04-06. Review status: criteria provided, single submitter. Criteria: Invitae Variant Classification Sherloc (09022015). Collection method: clinical testing. Allele origin: germline.
Comment: This sequence change replaces glycine, which is neutral and non-polar, with valine, which is neutral and non-polar, at codon 2860 of the DNAH11 protein (p.Gly2860Val). This variant is not present in population databases (gnomAD no frequency). This variant has not been reported in the literature in individuals affected with DNAH11-related conditions. Advanced modeling of protein sequence and biophysical properties (such as structural, functional, and spatial information, amino acid conservation, physicochemical variation, residue mobility, and thermodynamic stability) performed at Invitae indicates that this missense variant is expected to disrupt DNAH11 protein function. This variant disrupts the p.Gly2860 amino acid residue in DNAH11. Other variant(s) that disrupt this residue have been determined to be pathogenic (Invitae). This suggests that this residue is clinically significant, and that variants that disrupt this residue are likely to be disease-causing. In summary, the available evidence is currently insufficient to determine the role of this variant in disease. Therefore, it has been classified as a Variant of Uncertain Significance.